The following is an entry in ClinVar:

NM_001012759.3(CTU2):c.501G>A (p.Leu167=)

Gene: CTU2 (cytosolic thiouridylase subunit 2; plus strand). Cytogenetic location: 16q24.3.
Variant type: single nucleotide variant.
Coding change: c.501G>A on transcript NM_001012759.3 (MANE Select); coding-DNA position 501, G replaced by A.
Protein change: p.Leu167=; no amino-acid change (leucine 167 retained).
Molecular consequence: synonymous variant.
Genome position (GRCh38, 1-based): chr16:88,712,669, G>A. VCF-style: chr16-88712669-G-A. GRCh37 (hg19) VCF-style: chr16-88779077-G-A.
Other names: c.501G>A, p.Leu167= (NM_001012762.3); c.714G>A, p.Leu238= (NM_001318507.2); c.240G>A, p.Leu80= (NM_001318513.2).
Identifiers: ClinVar variation 786948 (VCV000786948.12), dbSNP rs138003612, ClinGen allele CA8230369.

ClinVar aggregate classification (germline): Benign. Review status: criteria provided, multiple submitters, no conflicts (2 of 4 stars). 3 submissions from 3 submitters: Benign (3). Last evaluated 2026-08-02.

Conditions:
CTU2-related disorder. Also called: CTU2-related condition.

Allele frequency attached by ClinVar (database versions not stated): gnomAD exomes 0.00187 and 0.00074; ExAC 0.00229; gnomAD 0.00744 and 0.00798; 1000 Genomes Project 0.00799; TOPMed 0.00839; ESP Exome Variant Server 0.00855; 1000 Genomes Project 30x 0.00890.
gnomAD v4.1: 2,261 of 1,610,648 alleles (0.14%); highest among the groups gnomAD compares: African/African-American, 2.7%; 32 homozygotes.

Submissions (3):

PreventionGenetics, part of Exact Sciences
Classification: Benign for CTU2-related condition. Last evaluated: 2026-08-02. Review status: criteria provided, single submitter. Criteria: ACMG Guidelines, 2015. Collection method: clinical testing. Allele origin: germline.
Comment: This variant is classified as benign based on ACMG/AMP sequence variant interpretation guidelines (Richards et al. 2015 PMID: 25741868, with internal and published modifications).

Labcorp Genetics (formerly Invitae), Labcorp
Classification: Benign. Last evaluated: 2025-12-10. Review status: criteria provided, single submitter. Criteria: Invitae Variant Classification Sherloc (09022015). Collection method: clinical testing. Allele origin: germline.

Breakthrough Genomics
Classification: Benign. Review status: criteria provided, single submitter. Criteria: ACMG Guidelines, 2015. Collection method: not provided. Allele origin: germline. Inheritance: Autosomal recessive inheritance. Affected: yes.